The following is an entry in ClinVar:

ClinVar aggregate classification (germline): Uncertain significance (1 of 4 stars; one submission).

Conditions:
Autosomal recessive nonsyndromic hearing loss 86 (DFNB86). Also called: Deafness , autosomal recessive 86; TBC1D24-Related Autosomal Recessive Nonsyndromic Hearing Loss (DFNB). Identifiers: Orphanet 90636, MedGen C2829265, MONDO:0013826, OMIM 614617.
Familial infantile myoclonic epilepsy (FIME). Also called: Epilepsy, Myoclonic, Infantile; TBC1D24-Related Familial Infantile Myoclonic Epilepsy (FIME). Identifiers: Orphanet 352582, MedGen C0917800, MONDO:0011506, OMIM 605021.
Developmental and epileptic encephalopathy, 16 (DEE16). Also called: Early infantile epileptic encephalopathy 16; TBC1D24-Related Developmental and Epileptic Encephalopathy (DEE). Identifiers: Orphanet 293181, Orphanet 352596, MedGen C3809173, MONDO:0014133, OMIM 615338.
Rolandic epilepsy-paroxysmal exercise-induced dystonia-writer's cramp syndrome. Also called: RE-PED-WC; TBC1D24-Related Rolandic Epilepsy with Paroxysmal Exercise-Induced Dystonia and Writer's Cramp (EPRPDC). Identifiers: Orphanet 163727, MedGen C1842531, MONDO:0011970, OMIM 608105.
DOORS syndrome (DOORS). Also called: DOOR SYNDROME; DRC SYNDROME; BRACHYDACTYLY DUE TO ABSENCE OF DISTAL PHALANGES; ERONEN SYNDROME; Digitorenocerebral syndrome; DEAFNESS, ONYCHODYSTROPHY, OSTEODYSTROPHY, IMPAIRED INTELLECTUAL DEVELOPMENT, AND SEIZURES SYNDROME. Identifiers: Orphanet 3231, Orphanet 79500, MedGen C0795934, MONDO:0009079, OMIM 220500. Disease mechanism: loss of function.
Autosomal dominant nonsyndromic hearing loss 65. Also called: Deafness, autosomal dominant 65; TBC1D24-Related Autosomal Dominant Nonsyndromic Hearing Loss (DFNA). Identifiers: Orphanet 90635, MedGen C3892048, MONDO:0014470, OMIM 616044.

Submission:

Juno Genomics, Hangzhou Juno Genomics, Inc
Classification: Uncertain significance for DOORS syndrome; Autosomal recessive nonsyndromic hearing loss 86; Autosomal dominant nonsyndromic hearing loss 65; Developmental and epileptic encephalopathy, 16; Rolandic epilepsy-paroxysmal exercise-induced dystonia-writer's cramp syndrome; Familial infantile myoclonic epilepsy. Review status: criteria provided, single submitter. Criteria: ACMG Guidelines, 2015. Collection method: clinical testing. Allele origin: germline. Affected: yes.
Comment: Absent from controls (or at extremely low frequency if recessive) in Genome Aggregation Database, Exome Sequencing Project, 1000 Genomes Project, or Exome Aggregation Consortium.

NM_001199107.2(TBC1D24):c.469C>G (p.Arg157Gly)

Gene: TBC1D24 (TBC1 domain family member 24; plus strand). Cytogenetic location: 16p13.3.
Variant type: single nucleotide variant.
Coding change: c.469C>G on transcript NM_001199107.2 (MANE Select); coding-DNA position 469, C replaced by G.
Protein change: p.Arg157Gly; replaces arginine 157 with glycine.
Molecular consequence: missense variant.
Genome position (GRCh38, 1-based): chr16:2,496,617, C>G. VCF-style: chr16-2496617-C-G. GRCh37 (hg19) VCF-style: chr16-2546618-C-G.
Other names: c.469C>G, p.Arg157Gly (NM_020705.3); short protein forms R157G.
Identifiers: ClinVar variation 3382995 (VCV003382995.2).